The following is an entry in ClinVar:

NM_006231.4(POLE):c.6350A>G (p.Asn2117Ser)

Gene: POLE (DNA polymerase epsilon, catalytic subunit; minus strand). Cytogenetic location: 12q24.33.
Variant type: single nucleotide variant.
Coding change: c.6350A>G on transcript NM_006231.4 (MANE Select); coding-DNA position 6350, A replaced by G.
Protein change: p.Asn2117Ser; replaces asparagine 2117 with serine.
Molecular consequence: missense variant.
Genome position (GRCh38, 1-based): chr12:132,626,298, T>C on the plus strand (A>G on the coding strand, the complement: POLE is on the minus strand). VCF-style: chr12-132626298-T-C. GRCh37 (hg19) VCF-style: chr12-133202884-T-C.
Other names: short protein forms N2117S.
Identifiers: ClinVar variation 567240 (VCV000567240.14), dbSNP rs771404261, ClinGen allele CA6892193.

ClinVar aggregate classification (germline): Uncertain significance. Review status: criteria provided, multiple submitters, no conflicts (2 of 4 stars). 4 submissions from 4 submitters: Uncertain significance (4). Last evaluated 2025-11-17.

Conditions:
Hereditary cancer-predisposing syndrome. Also called: Neoplastic Syndromes, Hereditary; Tumor predisposition; Hereditary neoplastic syndrome; Hereditary Cancer Syndrome. Identifiers: Orphanet 140162, MedGen C0027672, MeSH D009386, MONDO:0015356.

Allele frequency attached by ClinVar (database versions not stated): gnomAD exomes below 0.00001 and 0.00001; TOPMed below 0.00001; ExAC 0.00001; gnomAD 0.00001.
gnomAD v4.1: 4 of 1,613,590 alleles (0.00025%); highest among the groups gnomAD compares: Admixed American, 0.0017%; no homozygotes.

Submissions (4):

Labcorp Genetics (formerly Invitae), Labcorp
Classification: Uncertain significance. Last evaluated: 2025-11-17. Review status: criteria provided, single submitter. Criteria: Invitae Variant Classification Sherloc (09022015). Collection method: clinical testing. Allele origin: germline.
Comment: This sequence change replaces asparagine, which is neutral and polar, with serine, which is neutral and polar, at codon 2117 of the POLE protein (p.Asn2117Ser). This variant is present in population databases (rs771404261, gnomAD 0.0009%). This variant has not been reported in the literature in individuals affected with POLE-related conditions. ClinVar contains an entry for this variant (Variation ID: 567240). Invitae Evidence Modeling of protein sequence and biophysical properties (such as structural, functional, and spatial information, amino acid conservation, physicochemical variation, residue mobility, and thermodynamic stability) indicates that this missense variant is not expected to disrupt POLE protein function with a negative predictive value of 80%. In summary, the available evidence is currently insufficient to determine the role of this variant in disease. Therefore, it has been classified as a Variant of Uncertain Significance.

Ambry Genetics
Classification: Uncertain significance for Hereditary cancer-predisposing syndrome. Last evaluated: 2023-10-06. Review status: criteria provided, single submitter. Criteria: Ambry Variant Classification Scheme 2023. Collection method: clinical testing. Allele origin: germline.
Comment: The p.N2117S variant (also known as c.6350A>G), located in coding exon 46 of the POLE gene, results from an A to G substitution at nucleotide position 6350. The asparagine at codon 2117 is replaced by serine, an amino acid with highly similar properties. This amino acid position is conserved. In addition, this alteration is predicted to be tolerated by in silico analysis. Since supporting evidence is limited at this time, the clinical significance of this alteration remains unclear.

GeneDx
Classification: Uncertain significance. Last evaluated: 2023-08-08. Review status: criteria provided, single submitter. Criteria: GeneDx Variant Classification Process June 2021. Collection method: clinical testing. Allele origin: germline. Affected: yes.
Comment: Not observed at significant frequency in large population cohorts (gnomAD); In silico analysis supports that this missense variant does not alter protein structure/function; Has not been previously published as pathogenic or benign to our knowledge

Sema4
Classification: Uncertain significance for Hereditary cancer-predisposing syndrome. Last evaluated: 2021-05-19. Review status: criteria provided, single submitter. Criteria: Sema4 Curation Guidelines. Collection method: curation. Allele origin: germline.
Comment: The POLE c.6350A>G (p.N2117S) variant has not been reported in the literature to our knowledge. It was observed in 1/112574 chromosomes of the European (non-Finnish) subpopulation in the large and broad cohorts of the Genome Aggregation Database (PMID: 32461654) and has been reported in ClinVar (Variation ID: 567240). In silico tools suggest the impact of the variant on protein function is benign, though these predictions have not been confirmed by functional studies. The evidence is insufficient to meet ACMG/AMP criteria for classifying the variant as benign or pathogenic. Thus, the clinical significance of this variant is currently uncertain.